The following is an entry in ClinVar:

NM_014391.3(ANKRD1):c.778G>A (p.Val260Met)

Gene: ANKRD1 (ankyrin repeat domain 1; minus strand). Cytogenetic location: 10q23.31.
Variant type: single nucleotide variant.
Coding change: c.778G>A on transcript NM_014391.3 (MANE Select); coding-DNA position 778, G replaced by A.
Protein change: p.Val260Met; replaces valine 260 with methionine.
Molecular consequence: missense variant.
Genome position (GRCh38, 1-based): chr10:90,915,614, C>T on the plus strand (G>A on the coding strand, the complement: ANKRD1 is on the minus strand). VCF-style: chr10-90915614-C-T. GRCh37 (hg19) VCF-style: chr10-92675371-C-T.
Other names: short protein forms V260M.
Identifiers: ClinVar variation 2699891 (VCV002699891.3), dbSNP rs2492955211, ClinGen allele CA377549749.
Genomic context (GRCh38, chr10:90,915,614, plus strand): 5'-TGTTGAGATCCGCGCCATACATAATCAGGAGTCGGATCATCTTATAGCGGTTCAGTCTCA[C>T]CGCATCATGCAACGGGGTATCTCCTTCCTAGAGAAGCAGAGTCAACAGGTTCAAGGTGGG-3'
Protein context (NP_055206.2, residues 250-270): REGDTPLHDA[Val260Met]RLNRYKMIRL

ClinVar aggregate classification (germline): Uncertain significance (1 of 4 stars; one submission).

Conditions:
ANKRD1-related dilated cardiomyopathy. Identifiers: MedGen CN119551.

Submission:

Labcorp Genetics (formerly Invitae), Labcorp
Classification: Uncertain significance for ANKRD1-related dilated cardiomyopathy. Last evaluated: 2023-12-01. Review status: criteria provided, single submitter. Criteria: Invitae Variant Classification Sherloc (09022015). Collection method: clinical testing. Allele origin: germline.
Comment: This sequence change replaces valine, which is neutral and non-polar, with methionine, which is neutral and non-polar, at codon 260 of the ANKRD1 protein (p.Val260Met). This variant is not present in population databases (gnomAD no frequency). This variant has not been reported in the literature in individuals affected with ANKRD1-related conditions. Advanced modeling of protein sequence and biophysical properties (such as structural, functional, and spatial information, amino acid conservation, physicochemical variation, residue mobility, and thermodynamic stability) has been performed at Invitae for this missense variant, however the output from this modeling did not meet the statistical confidence thresholds required to predict the impact of this variant on ANKRD1 protein function. In summary, the available evidence is currently insufficient to determine the role of this variant in disease. Therefore, it has been classified as a Variant of Uncertain Significance.